The following is an entry in ClinVar:

ClinVar aggregate classification (germline): Likely benign. Review status: criteria provided, multiple submitters, no conflicts (2 of 4 stars). 3 submissions from 3 submitters: Likely benign (2). 1 of the submissions does not count toward it. Last evaluated 2026-07-06.

Conditions:
Lethal congenital contractural syndrome Finnish type.
GLE1-related disorder. Also called: GLE1-related condition; GLE1-related disorders.

Allele frequency attached by ClinVar (database versions not stated): gnomAD exomes 0.00003 and 0.00011; ExAC 0.00012; gnomAD 0.00025 and 0.00029; TOPMed 0.00028; ESP Exome Variant Server 0.00039.

Submissions (3):

PreventionGenetics, part of Exact Sciences
Classification: Likely benign for GLE1-related condition. Last evaluated: 2026-07-06. Review status: criteria provided, single submitter. Criteria: ACMG Guidelines, 2015. Collection method: clinical testing. Allele origin: germline.
Comment: This variant is classified as likely benign based on ACMG/AMP sequence variant interpretation guidelines (Richards et al. 2015 PMID: 25741868, with internal and published modifications).

Labcorp Genetics (formerly Invitae), Labcorp
Classification: Likely benign. Last evaluated: 2026-01-21. Review status: criteria provided, single submitter. Criteria: Invitae Variant Classification Sherloc (09022015). Collection method: clinical testing. Allele origin: germline.

Natera, Inc.
Classification: Likely benign for Lethal congenital contractural syndrome Finnish type. Last evaluated: 2020-04-14. Review status: no assertion criteria provided. Collection method: clinical testing. Allele origin: germline. Not counted in ClinVar's aggregate classification.

NM_001003722.2(GLE1):c.447A>G (p.Leu149=)

Gene: GLE1 (GLE1 RNA export mediator; plus strand). Cytogenetic location: 9q34.11.
Variant type: single nucleotide variant.
Coding change: c.447A>G on transcript NM_001003722.2 (MANE Select); coding-DNA position 447, A replaced by G.
Protein change: p.Leu149=; no amino-acid change (leucine 149 retained).
Molecular consequence: synonymous variant.
Genome position (GRCh38, 1-based): chr9:128,522,682, A>G. VCF-style: chr9-128522682-A-G. GRCh37 (hg19) VCF-style: chr9-131284961-A-G.
Other names: c.447A>G, p.Leu149= (NM_001499.2).
Identifiers: ClinVar variation 779217 (VCV000779217.12), dbSNP rs148220489, ClinGen allele CA5263605.